The following is an entry in ClinVar:

NM_001159773.2(CANT1):c.360_370del (p.Gln120fs)

Gene: CANT1 (calcium activated nucleotidase 1; minus strand). Cytogenetic location: 17q25.3.
Variant type: Deletion.
Coding change: c.360_370del on transcript NM_001159773.2 (MANE Select); coding-DNA positions 360 to 370, 11 bases deleted (AGAGGAAAACA).
Protein change: p.Gln120fs; shifts the reading frame from glutamine 120.
Molecular consequence: frameshift variant.
Genome position (GRCh38, 1-based): chr17:78,997,253-78,997,263, TGTTTTCCTCT deleted on the plus strand (AGAGGAAAACA on the coding strand, the reverse complement: CANT1 is on the minus strand); deleting any 11 consecutive bases within chr17:78,997,253-78,997,265 gives the same sequence; the c. name uses the placement nearest the transcript's 3' end. VCF-style (leftmost placement, unchanged base first): chr17-78997252-GTGTTTTCCTCT-G. GRCh37 (hg19) VCF-style: chr17-76993334-GTGTTTTCCTCT-G.
Other names: c.360_370del, p.Gln120fs (NM_001159772.2, NM_138793.4); short protein forms Q120fs.
Identifiers: ClinVar variation 4692887 (VCV004692887.1).

ClinVar aggregate classification (germline): Pathogenic (1 of 4 stars; one submission).

Submission:

Labcorp Genetics (formerly Invitae), Labcorp
Classification: Pathogenic. Last evaluated: 2025-11-23. Review status: criteria provided, single submitter. Criteria: Invitae Variant Classification Sherloc (09022015). Collection method: clinical testing. Allele origin: germline.
Comment: This sequence change creates a premature translational stop signal (p.Gln120Hisfs*59) in the CANT1 gene. It is expected to result in an absent or disrupted protein product. Loss-of-function variants in CANT1 are known to be pathogenic (PMID: 19853239, 21037275, 22539336). This variant is not present in population databases (gnomAD no frequency). This variant has not been reported in the literature in individuals affected with CANT1-related conditions. For these reasons, this variant has been classified as Pathogenic.

Literature cited by the submitters: PubMed 19853239; PubMed 21037275; PubMed 22539336.